The following is an entry in ClinVar:

ClinVar aggregate classification (germline): Uncertain significance (1 of 4 stars; one submission).

gnomAD v4.1: 5 of 1,614,200 alleles (0.00031%); highest among the groups gnomAD compares: South Asian, 0.0011%; no homozygotes.

Submission:

Labcorp Genetics (formerly Invitae), Labcorp
Classification: Uncertain significance. Last evaluated: 2025-03-27. Review status: criteria provided, single submitter. Criteria: Invitae Variant Classification Sherloc (09022015). Collection method: clinical testing. Allele origin: germline.
Comment: This sequence change replaces aspartic acid, which is acidic and polar, with asparagine, which is neutral and polar, at codon 439 of the HK1 protein (p.Asp439Asn). This variant is not present in population databases (gnomAD no frequency). This variant has not been reported in the literature in individuals affected with HK1-related conditions. Invitae Evidence Modeling of protein sequence and biophysical properties (such as structural, functional, and spatial information, amino acid conservation, physicochemical variation, residue mobility, and thermodynamic stability) indicates that this missense variant is not expected to disrupt HK1 protein function with a negative predictive value of 80%. In summary, the available evidence is currently insufficient to determine the role of this variant in disease. Therefore, it has been classified as a Variant of Uncertain Significance.

NM_000188.3(HK1):c.1315G>A (p.Asp439Asn)

Gene: HK1 (hexokinase 1; plus strand). Cytogenetic location: 10q22.1.
Variant type: single nucleotide variant.
Coding change: c.1315G>A on transcript NM_000188.3 (MANE Select); coding-DNA position 1315, G replaced by A.
Protein change: p.Asp439Asn; replaces aspartic acid 439 with asparagine.
Molecular consequence: missense variant. On other transcripts: non-coding transcript variant (2).
Genome position (GRCh38, 1-based): chr10:69,382,536, G>A. VCF-style: chr10-69382536-G-A. GRCh37 (hg19) VCF-style: chr10-71142292-G-A.
Other names: c.1327G>A, p.Asp443Asn (NM_001322364.2, NM_001358263.1, NM_033497.3 and 1 more transcripts); c.1420G>A, p.Asp474Asn (NM_001322365.2); c.1231G>A, p.Asp411Asn (NM_001322366.1, NM_001441143.1); c.1219G>A, p.Asp407Asn (NM_001322367.1); c.1315G>A, p.Asp439Asn (NM_001441139.1, NM_001441141.1, NM_001441145.1 and 2 more transcripts); c.1306G>A, p.Asp436Asn (NM_001441140.1); c.1273G>A, p.Asp425Asn (NM_001441142.1); c.1195G>A, p.Asp399Asn (NM_001441144.1); and 8 more; short protein forms D103N, D226N, D443N, D474N, D201N, D309N, D438N, D317N.
Identifiers: ClinVar variation 4762491 (VCV004762491.1).